The following is an entry in ClinVar:

NC_000015.9:g.(?_32964740)_(33004759_?)dup

Genes: ARHGAP11A-SCG5 (ARHGAP11A-SCG5 readthrough; plus strand), GREM1 (gremlin 1, DAN family BMP antagonist; plus strand), SCG5 (secretogranin V; plus strand), SCG5-AS1 (SCG5 antisense RNA 1; minus strand), LOC125078054 (Sharpr-MPRA regulatory region 2498; plus strand). Cytogenetic location: 15q13.3.
Variant type: Duplication.
Identifiers: ClinVar variation 476578 (VCV000476578.11).

ClinVar aggregate classification (germline): Uncertain significance (1 of 4 stars; one submission).

Conditions:
Familial colorectal cancer. Identifiers: MedGen CN280943, MONDO:0023113. Disease mechanism: loss of function.

Submission:

Labcorp Genetics (formerly Invitae), Labcorp
Classification: Uncertain significance for Familial colorectal cancer. Last evaluated: 2022-07-18. Review status: criteria provided, single submitter. Criteria: Invitae Variant Classification Sherloc (09022015). Collection method: clinical testing. Allele origin: germline.
Comment: In summary, the available evidence is currently insufficient to determine the role of this variant in disease. Therefore, it has been classified as a Variant of Uncertain Significance. Two different tandem duplications (40 kb and 16 kb) spanning the 3' end of the SCG5 gene and the region upstream of the GREM1 gene have been reported in families with hereditary mixed polyposis syndrome (PMID: 22561515, 25992589, 26493165). However, the gain identified in this individual is different from those variants, and therefore the impact of the additional duplicated sequences on GREM1 expression and function has not been established. A copy number gain of the genomic region encompassing the full coding sequence of the GREM1 gene has been identified. The boundaries of this event are unknown as they extend beyond the assayed region for this gene and therefore may encompass additional genes. As the precise location of this event is unknown, it may be in tandem or it may be located elsewhere in the genome.

Literature cited by the submitters: PubMed 22561515; PubMed 25992589; PubMed 26493165.